The following is an entry in ClinVar:

NM_001114753.3(ENG):c.239T>A (p.Leu80Gln)

Gene: ENG (endoglin; minus strand). Cytogenetic location: 9q34.11.
Variant type: single nucleotide variant.
Coding change: c.239T>A on transcript NM_001114753.3 (MANE Select); coding-DNA position 239, T replaced by A.
Protein change: p.Leu80Gln; replaces leucine 80 with glutamine.
Molecular consequence: missense variant. On other transcripts: 5 prime UTR variant (1).
Genome position (GRCh38, 1-based): chr9:127,829,808, A>T on the plus strand (T>A on the coding strand, the complement: ENG is on the minus strand). VCF-style: chr9-127829808-A-T. GRCh37 (hg19) VCF-style: chr9-130592087-A-T.
Other names: c.239T>A, p.Leu80Gln (NM_000118.4, NM_001406715.1); c.-308T>A (NM_001278138.2); short protein forms L80Q.
Identifiers: ClinVar variation 1790691 (VCV001790691.2), dbSNP rs1830718809, ClinGen allele CA374986378.

ClinVar aggregate classification (germline): Uncertain significance (1 of 4 stars; one submission).

Conditions:
Cardiovascular phenotype. Identifiers: MedGen CN230736.

Submission:

Ambry Genetics
Classification: Uncertain significance for Cardiovascular phenotype. Last evaluated: 2018-03-08. Review status: criteria provided, single submitter. Criteria: Ambry Variant Classification Scheme 2023. Collection method: clinical testing. Allele origin: germline.
Comment: The p.L80Q variant (also known as c.239T>A), located in coding exon 3 of the ENG gene, results from a T to A substitution at nucleotide position 239. The leucine at codon 80 is replaced by glutamine, an amino acid with dissimilar properties. This amino acid position is highly conserved in available vertebrate species. In addition, this alteration is predicted to be deleterious by in silico analysis. Since supporting evidence is limited at this time, the clinical significance of this alteration remains unclear.